The following is an entry in ClinVar:

ClinVar aggregate classification (germline): Pathogenic (1 of 4 stars; one submission).

Conditions:
Hereditary cancer-predisposing syndrome. Also called: Neoplastic Syndromes, Hereditary; Tumor predisposition; Hereditary Cancer Syndrome; Hereditary neoplastic syndrome. Identifiers: Orphanet 140162, MedGen C0027672, MeSH D009386, MONDO:0015356.

Submission:

Ambry Genetics
Classification: Pathogenic for Hereditary cancer-predisposing syndrome. Last evaluated: 2026-02-25. Review status: criteria provided, single submitter. Criteria: Ambry Variant Classification Scheme 2023. Collection method: clinical testing. Allele origin: germline.
Comment: The c.901dupA pathogenic mutation, located in coding exon 6 of the FH gene, results from a duplication of A at nucleotide position 901, causing a translational frameshift with a predicted alternate stop codon (p.T301Nfs*11). This alteration is expected to result in loss of function by premature protein truncation or nonsense-mediated mRNA decay. In addition, this variant is considered to be rare based on population cohorts in the Genome Aggregation Database (gnomAD). As such, this alteration is interpreted as a disease-causing mutation.

NM_000143.4(FH):c.901dup (p.Thr301fs)

Gene: FH (fumarate hydratase; minus strand). Cytogenetic location: 1q43.
Variant type: Duplication.
Coding change: c.901dup on transcript NM_000143.4 (MANE Select); coding-DNA position 901, one base duplicated (A; older notation c.901dupA).
Protein change: p.Thr301fs; shifts the reading frame from threonine 301.
Molecular consequence: frameshift variant.
Genome position (GRCh38, 1-based): chr1:241,506,006, T duplicated on the plus strand (A on the coding strand, the reverse complement: FH is on the minus strand). VCF-style (leftmost placement, unchanged base first): chr1-241506005-G-GT. GRCh37 (hg19) VCF-style: chr1-241669305-G-GT.
Other names: c.901dupA (NM_000143.3); short protein forms T301fs.
Identifiers: ClinVar variation 4827307 (VCV004827307.1).
Genomic context (GRCh38, chr1:241,506,005, plus strand): 5'-TGTACAGACCACGTATAATGAGAAATGAAAATGAGAAATAATTCACGTGATCACTAACCT[G>GT]TAAGTGCAGCCACTTTTGCAGCAACCTTTTCTGCAAAGCCAATTCTAGTATTTAAACCTG-3'